The following is an entry in ClinVar:

NM_007194.4(CHEK2):c.592+3A>G

Gene: CHEK2 (checkpoint kinase 2; minus strand). Cytogenetic location: 22q12.1.
Variant type: single nucleotide variant.
Coding change: c.592+3A>G on transcript NM_007194.4 (MANE Select); 3 bases into the intron after coding-DNA position 592, A replaced by G.
Molecular consequence: intron variant.
Genome position (GRCh38, 1-based): chr22:28,724,974, T>C on the plus strand (A>G on the coding strand, the complement: CHEK2 is on the minus strand). VCF-style: chr22-28724974-T-C. GRCh37 (hg19) VCF-style: chr22-29120962-T-C.
Other names: c.-72+3A>G (NM_001437942.1); c.445-51A>G (NM_001349956.3); c.592+3A>G (NM_145862.3); c.-186+3A>G (NM_001257387.3); c.685+3A>G (NM_001438295.1, NM_001438293.1); c.721+3A>G (NM_001438294.1, NM_001005735.3).
Identifiers: ClinVar variation 2034167 (VCV002034167.4), dbSNP rs587782849, ClinGen allele CA2580099407.

ClinVar aggregate classification (germline): Uncertain significance (1 of 4 stars; one submission).

Conditions:
Familial cancer of breast. Also called: BREAST CANCER, FAMILIAL; Hereditary breast cancer; hereditary breast carcinoma. Identifiers: Orphanet 227535, MedGen C0346153, MONDO:0016419, OMIM 114480. Disease mechanism: loss of function.

Submission:

Labcorp Genetics (formerly Invitae), Labcorp
Classification: Uncertain significance for Familial cancer of breast. Last evaluated: 2025-07-30. Review status: criteria provided, single submitter. Criteria: Invitae Variant Classification Sherloc (09022015). Collection method: clinical testing. Allele origin: germline.
Comment: This sequence change falls in intron 4 of the CHEK2 gene. It does not directly change the encoded amino acid sequence of the CHEK2 protein. It affects a nucleotide within the consensus splice site. This variant is not present in population databases (gnomAD no frequency). This variant has not been reported in the literature in individuals affected with CHEK2-related conditions. ClinVar contains an entry for this variant (Variation ID: 2034167). Variants that disrupt the consensus splice site are a relatively common cause of aberrant splicing (PMID: 17576681, 9536098). Algorithms developed to predict the effect of sequence changes on RNA splicing suggest that this variant may disrupt the consensus splice site. This variant disrupts the c.592+3A nucleotide in the CHEK2 gene. Other variant(s) that disrupt this nucleotide have been determined to be pathogenic (PMID: 27616075, 31843900, 33925588; internal data). This suggests that this nucleotide is clinically significant, and that variants that disrupt this position are likely to be disease-causing. In summary, the available evidence is currently insufficient to determine the role of this variant in disease. Therefore, it has been classified as a Variant of Uncertain Significance.

Literature cited by the submitters: PubMed 17576681; PubMed 9536098; PubMed 27616075; PubMed 31843900; PubMed 33925588.